The following is an entry in ClinVar:

ClinVar aggregate classification (germline): Benign/Likely benign. Review status: criteria provided, multiple submitters, no conflicts (2 of 4 stars). 7 submissions from 7 submitters: Benign (4); Likely benign (3). Last evaluated 2026-09-01.

Conditions:
Pyruvate kinase deficiency of red cells (CNSHA2). Also called: PK DEFICIENCY; PYRUVATE KINASE DEFICIENCY OF ERYTHROCYTE; Pyruvate kinase deficiency, Amish type. Identifiers: Orphanet 766, MedGen C0340968, MONDO:0009950, OMIM 266200.

Allele frequency attached by ClinVar (database versions not stated): ESP Exome Variant Server 0.01461; 1000 Genomes Project 0.00559; 1000 Genomes Project 30x 0.00578; TOPMed 0.01269.
gnomAD v4.1: 28,834 of 1,614,056 alleles (1.8%); highest among the groups gnomAD compares: Non-Finnish European, 2.1%; 303 homozygotes.

Submissions (7):

CeGaT Center for Human Genetics Tuebingen
Classification: Benign. Last evaluated: 2026-09-01. Review status: criteria provided, single submitter. Criteria: CeGaT Center For Human Genetics Tuebingen Variant Classification Criteria Version 2. Collection method: clinical testing. Allele origin: germline. Affected: yes. Observed: 18 variant alleles.
Comment: PKLR: BS1, BS2

Labcorp Genetics (formerly Invitae), Labcorp
Classification: Benign. Last evaluated: 2026-01-06. Review status: criteria provided, single submitter. Criteria: Invitae Variant Classification Sherloc (09022015). Collection method: clinical testing. Allele origin: germline.

ARUP Laboratories, Molecular Genetics and Genomics, ARUP Laboratories
Classification: Benign. Last evaluated: 2025-07-25. Review status: criteria provided, single submitter. Criteria: ARUP Molecular Germline Variant Investigation Process 2024. Collection method: clinical testing. Allele origin: germline.

Mayo Clinic Laboratories, Mayo Clinic
Classification: Likely benign. Last evaluated: 2025-04-15. Review status: criteria provided, single submitter. Criteria: ACMG Guidelines, 2015. Collection method: clinical testing. Allele origin: germline. Observed: 65 variant alleles.

Illumina Laboratory Services, Illumina
Classification: Likely benign for Pyruvate kinase deficiency of red cells. Last evaluated: 2017-04-27. Review status: criteria provided, single submitter. Criteria: ICSL Variant Classification Criteria 13 December 2019. Collection method: clinical testing. Allele origin: germline.
Comment: This variant was observed as part of a predisposition screen in an ostensibly healthy population. A literature search was performed for the gene, cDNA change, and amino acid change (where applicable). Publications were found based on this search. The evidence from the literature, in combination with allele frequency data from public databases where available, was sufficient to determine this variant is unlikely to cause disease. Therefore, this variant is classified as likely benign.

Breakthrough Genomics
Classification: Likely benign. Review status: criteria provided, single submitter. Criteria: ACMG Guidelines, 2015. Collection method: not provided. Allele origin: germline. Inheritance: Autosomal recessive inheritance. Affected: yes.

Broad Center for Mendelian Genomics, Broad Institute of MIT and Harvard
Classification: Benign for Pyruvate kinase deficiency of red cells. Review status: criteria provided, single submitter. Criteria: ACMG Guidelines, 2015. Collection method: research. Allele origin: germline. Inheritance: Autosomal recessive inheritance. Affected: yes.
Comment: The heterozygous c.375+10G>T variant in PKLR has been identified in at least 2 individuals with pyruvate kinase deficiency, but was in cis to a missense variant in at least 1 family (PMID: 16704447). This variant has also been identified in >2% of European (Finnish) chromosomes and 23 homozygotes by ExAC. In summary, this variant meets criteria to be classified as benign for autosomal recessive pyruvate kinase deficiency.

Literature cited by the submitters: PubMed 1670447 (cited by Illumina Laboratory Services, Illumina).

NM_000298.6(PKLR):c.375+10G>T

Gene: PKLR (pyruvate kinase L/R; minus strand). Cytogenetic location: 1q22.
Variant type: single nucleotide variant.
Coding change: c.375+10G>T on transcript NM_000298.6 (MANE Select); 10 bases into the intron after coding-DNA position 375, G replaced by T.
Molecular consequence: intron variant.
Genome position (GRCh38, 1-based): chr1:155,295,655, C>A on the plus strand (G>T on the coding strand, the complement: PKLR is on the minus strand). VCF-style: chr1-155295655-C-A. GRCh37 (hg19) VCF-style: chr1-155265446-C-A.
Other names: p.?; c.282+10G>T (NM_181871.4).
Identifiers: ClinVar variation 876546 (VCV000876546.50), dbSNP rs8177971, ClinGen allele CA1144366.
Genomic context (GRCh38, chr1:155,295,655, plus strand): 5'-TCAGGGGAAGGTGGCCAGGACCTCGAGGCATCCTCCTGCCCCACCCACTGCCCGGCGGCC[C>A]GTCCCGCACCTCGTGGGAGCCGTGGGAGAAGTTGAGTCGCGCAATGTTCATCCCGGCCTT-3'